The following is an entry in ClinVar:

ClinVar aggregate classification (germline): Likely benign (1 of 4 stars; one submission).

gnomAD v4.1: 9 of 1,614,094 alleles (0.00056%); highest among the groups gnomAD compares: Non-Finnish European, 0.00068%; no homozygotes.

Submission:

CeGaT Center for Human Genetics Tuebingen
Classification: Likely benign. Last evaluated: 2024-10-01. Review status: criteria provided, single submitter. Criteria: CeGaT Center For Human Genetics Tuebingen Variant Classification Criteria Version 2. Collection method: clinical testing. Allele origin: germline. Affected: yes. Observed: 1 variant allele.
Comment: TICAM1: BP4

NM_182919.4(TICAM1):c.1679G>A (p.Arg560Gln)

Gene: TICAM1 (TIR domain containing adaptor molecule 1; minus strand). Cytogenetic location: 19p13.3.
Variant type: single nucleotide variant.
Coding change: c.1679G>A on transcript NM_182919.4 (MANE Select); coding-DNA position 1679, G replaced by A.
Protein change: p.Arg560Gln; replaces arginine 560 with glutamine.
Molecular consequence: missense variant.
Genome position (GRCh38, 1-based): chr19:4,816,699, C>T on the plus strand (G>A on the coding strand, the complement: TICAM1 is on the minus strand). VCF-style: chr19-4816699-C-T. GRCh37 (hg19) VCF-style: chr19-4816711-C-T.
Other names: c.1637G>A, p.Arg546Gln (NM_001385678.1); c.1544G>A, p.Arg515Gln (NM_001385679.1); c.1037G>A, p.Arg346Gln (NM_001385680.1); short protein forms R346Q, R515Q, R546Q, R560Q.
Identifiers: ClinVar variation 3388830 (VCV003388830.14).